The following is an entry in ClinVar:

NM_199355.4(ADAMTS18):c.2813G>A (p.Gly938Asp)

Gene: ADAMTS18 (ADAM metallopeptidase with thrombospondin type 1 motif 18; minus strand). Cytogenetic location: 16q23.1.
Variant type: single nucleotide variant.
Coding change: c.2813G>A on transcript NM_199355.4 (MANE Select); coding-DNA position 2813, G replaced by A.
Protein change: p.Gly938Asp; replaces glycine 938 with aspartic acid.
Molecular consequence: missense variant.
Genome position (GRCh38, 1-based): chr16:77,295,116, C>T on the plus strand (G>A on the coding strand, the complement: ADAMTS18 is on the minus strand). VCF-style: chr16-77295116-C-T. GRCh37 (hg19) VCF-style: chr16-77329013-C-T.
Other names: c.2813G>A (NM_199355.2); c.2297G>A, p.Gly766Asp (NM_001326358.2); short protein forms G766D, G938D.
Identifiers: ClinVar variation 1466554 (VCV001466554.7), dbSNP rs753892043, ClinGen allele CA8180721.

ClinVar aggregate classification (germline): Uncertain significance. Review status: criteria provided, multiple submitters, no conflicts (2 of 4 stars). 3 submissions from 3 submitters: Uncertain significance (3). Last evaluated 2024-06-19.

Conditions:
Inborn genetic diseases. Identifiers: MedGen C0950123, MeSH D030342.

Allele frequency attached by ClinVar (database versions not stated): ExAC 0.00001; gnomAD exomes 0.00001 and 0.00002.
gnomAD v4.1: 5 of 1,614,178 alleles (0.00031%); highest among the groups gnomAD compares: East Asian, 0.0067%; no homozygotes.

Submissions (3):

Ambry Genetics
Classification: Uncertain significance for Inborn genetic diseases. Last evaluated: 2024-06-19. Review status: criteria provided, single submitter. Criteria: Ambry Variant Classification Scheme 2023. Collection method: clinical testing. Allele origin: germline.

Labcorp Genetics (formerly Invitae), Labcorp
Classification: Uncertain significance. Last evaluated: 2022-02-18. Review status: criteria provided, single submitter. Criteria: Invitae Variant Classification Sherloc (09022015). Collection method: clinical testing. Allele origin: germline.
Comment: This sequence change replaces glycine, which is neutral and non-polar, with aspartic acid, which is acidic and polar, at codon 938 of the ADAMTS18 protein (p.Gly938Asp). This variant is present in population databases (rs753892043, gnomAD 0.006%). This variant has not been reported in the literature in individuals affected with ADAMTS18-related conditions. Algorithms developed to predict the effect of missense changes on protein structure and function are either unavailable or do not agree on the potential impact of this missense change (SIFT: "Not Available"; PolyPhen-2: "Possibly Damaging"; Align-GVGD: "Not Available"). In summary, the available evidence is currently insufficient to determine the role of this variant in disease. Therefore, it has been classified as a Variant of Uncertain Significance.

Blueprint Genetics
Classification: Uncertain significance. Last evaluated: 2021-10-01. Review status: criteria provided, single submitter. Criteria: ACMG Guidelines, 2015. Collection method: clinical testing. Allele origin: germline.